The following is an entry in ClinVar:

ClinVar aggregate classification (germline): Uncertain significance (1 of 4 stars; one submission).

Conditions:
Myopathy, proximal, and ophthalmoplegia (CMYO6). Also called: CONGENITAL MYOPATHY 6 WITH OPHTHALMOPLEGIA; MYOPATHY WITH CONGENITAL JOINT CONTRACTURES, OPHTHALMOPLEGIA, AND RIMMED VACUOLES; INCLUSION BODY MYOPATHY 3, AUTOSOMAL DOMINANT. Identifiers: Orphanet 363677, Orphanet 79091, MedGen C1854106, MONDO:0011577, OMIM 605637.

Submission:

Labcorp Genetics (formerly Invitae), Labcorp
Classification: Uncertain significance for Myopathy, proximal, and ophthalmoplegia. Last evaluated: 2023-11-28. Review status: criteria provided, single submitter. Criteria: Invitae Variant Classification Sherloc (09022015). Collection method: clinical testing. Allele origin: unknown.
Comment: This variant results in a copy number gain of the genomic region encompassing exon(s) 23-26 of the MYH2 gene. While the exact position of this variant cannot be determined from the data, sub-genic copy number gains are generally in tandem (PMID: 25640679). This variant is predicted to be in-frame, and likely preserves the integrity of the reading frame. This variant has not been reported in the literature in individuals affected with MYH2-related conditions. In summary, the available evidence is currently insufficient to determine the role of this variant in disease. Therefore, it has been classified as a Variant of Uncertain Significance.

Literature cited by the submitters: PubMed 25640679.

NC_000017.10:g.(?_10432459)_(10433411_?)dup

Gene: MYH2 (myosin heavy chain 2; minus strand). Cytogenetic location: 17p13.1.
Variant type: Duplication.
Identifiers: ClinVar variation 3243051 (VCV003243051.1).